The following is an entry in ClinVar:

ClinVar aggregate classification (germline): Pathogenic (1 of 4 stars; one submission).

Conditions:
Baller-Gerold syndrome (BGS). Also called: CRANIOSYNOSTOSIS WITH RADIAL DEFECTS. Identifiers: Orphanet 1225, MedGen C0265308, MONDO:0009039, OMIM 218600.

Submission:

Labcorp Genetics (formerly Invitae), Labcorp
Classification: Pathogenic for Baller-Gerold syndrome. Last evaluated: 2022-11-26. Review status: criteria provided, single submitter. Criteria: Invitae Variant Classification Sherloc (09022015). Collection method: clinical testing. Allele origin: germline.
Comment: For these reasons, this variant has been classified as Pathogenic. ClinVar contains an entry for this variant (Variation ID: 1072952). This variant has not been reported in the literature in individuals affected with RECQL4-related conditions. This variant is not present in population databases (gnomAD no frequency). This sequence change creates a premature translational stop signal (p.Leu676Phefs*14) in the RECQL4 gene. It is expected to result in an absent or disrupted protein product. Loss-of-function variants in RECQL4 are known to be pathogenic (PMID: 12734318, 12952869).

Literature cited by the submitters: PubMed 12734318; PubMed 12952869.

NM_004260.4(RECQL4):c.2026del (p.Leu676fs)

Gene: RECQL4 (RecQ like helicase 4; minus strand). Cytogenetic location: 8q24.3.
Variant type: Deletion.
Coding change: c.2026del on transcript NM_004260.4 (MANE Select); coding-DNA position 2026, one base deleted (C; older notation c.2026delC).
Protein change: p.Leu676fs; shifts the reading frame from leucine 676.
Molecular consequence: frameshift variant.
Genome position (GRCh38, 1-based): chr8:144,513,960, G deleted on the plus strand (C on the coding strand, the reverse complement: RECQL4 is on the minus strand); the first of 2 consecutive G bases (chr8:144,513,960-144,513,961); deleting either gives the same sequence. VCF-style (leftmost placement, unchanged base first): chr8-144513959-AG-A. GRCh37 (hg19) VCF-style: chr8-145739343-AG-A.
Other names: short protein forms L676fs.
Identifiers: ClinVar variation 1072952 (VCV001072952.5), dbSNP rs2130690486, ClinGen allele CA2499219183.